The following is an entry in ClinVar:

ClinVar aggregate classification (germline): Conflicting classifications of pathogenicity. Review status: criteria provided, conflicting classifications (1 of 4 stars). 3 submissions from 3 submitters: Uncertain significance (1); Benign (1); Likely benign (1). Last evaluated 2024-12-02.

Allele frequency attached by ClinVar (database versions not stated): gnomAD exomes below 0.00001.
gnomAD v4.1: 7 of 1,341,586 alleles (0.00052%); highest among the groups gnomAD compares: Middle Eastern, 0.022%; no homozygotes.

Submissions (3):

Women's Health and Genetics/Laboratory Corporation of America, LabCorp
Classification: Uncertain significance. Last evaluated: 2024-12-02. Review status: criteria provided, single submitter. Criteria: LabCorp Variant Classification Summary - May 2015. Collection method: clinical testing. Allele origin: germline.
Comment: Variant summary: ARID1A c.448T>C (p.Phe150Leu) results in a non-conservative amino acid change in the encoded protein sequence. Three of five in-silico tools predict a benign effect of the variant on protein function. The variant was absent in 9064 control chromosomes (gnomAD). The available data on variant occurrences in the general population are insufficient to allow any conclusion about variant significance. To our knowledge, no occurrence of c.448T>C in individuals affected with Mental Retardation, Autosomal Dominant 14 and no experimental evidence demonstrating its impact on protein function have been reported. ClinVar contains an entry for this variant (Variation ID: 1570956). Based on the evidence outlined above, the variant was classified as uncertain significance.

CeGaT Center for Human Genetics Tuebingen
Classification: Likely benign. Last evaluated: 2024-01-01. Review status: criteria provided, single submitter. Criteria: CeGaT Center For Human Genetics Tuebingen Variant Classification Criteria Version 2. Collection method: clinical testing. Allele origin: germline. Affected: yes. Observed: 1 variant allele.
Comment: ARID1A: PM2, BS2

Labcorp Genetics (formerly Invitae), Labcorp
Classification: Benign. Last evaluated: 2023-05-30. Review status: criteria provided, single submitter. Criteria: Invitae Variant Classification Sherloc (09022015). Collection method: clinical testing. Allele origin: germline.

NM_006015.6(ARID1A):c.448T>C (p.Phe150Leu)

Gene: ARID1A (AT-rich interaction domain 1A; plus strand). Cytogenetic location: 1p36.11.
Variant type: single nucleotide variant.
Coding change: c.448T>C on transcript NM_006015.6 (MANE Select); coding-DNA position 448, T replaced by C.
Protein change: p.Phe150Leu; replaces phenylalanine 150 with leucine.
Molecular consequence: missense variant.
Genome position (GRCh38, 1-based): chr1:26,696,851, T>C. VCF-style: chr1-26696851-T-C. GRCh37 (hg19) VCF-style: chr1-27023342-T-C.
Other names: c.448T>C, p.Phe150Leu (NM_139135.4); short protein forms F150L.
Identifiers: ClinVar variation 1570956 (VCV001570956.31), dbSNP rs2080267793, ClinGen allele CA339265246.